The following is an entry in ClinVar:

ClinVar aggregate classification (germline): Benign/Likely benign. Review status: criteria provided, multiple submitters, no conflicts (2 of 4 stars). 3 submissions from 3 submitters: Benign (1); Likely benign (2). Last evaluated 2026-01-01.

Allele frequency attached by ClinVar (database versions not stated): ExAC 0.00005; gnomAD exomes 0.00006 and 0.00014; gnomAD 0.00007 and 0.00008; TOPMed 0.00016; ESP Exome Variant Server 0.00028.
gnomAD v4.1: 166 of 1,206,491 alleles (0.014%); highest among the groups gnomAD compares: Non-Finnish European, 0.017%; no homozygotes.

Submissions (3):

CeGaT Center for Human Genetics Tuebingen
Classification: Likely benign. Last evaluated: 2026-01-01. Review status: criteria provided, single submitter. Criteria: CeGaT Center For Human Genetics Tuebingen Variant Classification Criteria Version 2. Collection method: clinical testing. Allele origin: germline. Affected: yes. Observed: 2 variant alleles.
Comment: HUWE1: BP4, BS2

Labcorp Genetics (formerly Invitae), Labcorp
Classification: Benign. Last evaluated: 2025-12-07. Review status: criteria provided, single submitter. Criteria: Invitae Variant Classification Sherloc (09022015). Collection method: clinical testing. Allele origin: germline.

Blueprint Genetics
Classification: Likely benign. Last evaluated: 2024-07-04. Review status: criteria provided, single submitter. Criteria: ACMG Guidelines, 2015. Collection method: clinical testing. Allele origin: germline.

NM_031407.7(HUWE1):c.12650-6C>T

Gene: HUWE1 (HECT, UBA and WWE domain containing E3 ubiquitin protein ligase 1; minus strand). Cytogenetic location: Xp11.22.
Variant type: single nucleotide variant.
Coding change: c.12650-6C>T on transcript NM_031407.7 (MANE Select); 6 bases into the intron before coding-DNA position 12650, C replaced by T.
Molecular consequence: intron variant.
Genome position (GRCh38, 1-based): chrX:53,534,703, G>A on the plus strand (C>T on the coding strand, the complement: HUWE1 is on the minus strand). VCF-style: chrX-53534703-G-A. GRCh37 (hg19) VCF-style: chrX-53561664-G-A.
Identifiers: ClinVar variation 738989 (VCV000738989.46), dbSNP rs374227391, ClinGen allele CA10421153.
Genomic context (GRCh38, chrX:53,534,703, plus strand): 5'-GGAATGATCTCATAGAAGCCTTCTAAGAAAGCCGCCAACTGCTTGCGGATGGCTCCTGGT[G>A]AGATAACCAAAAAGCCAAATGACTTCTAAACTCACACAACCGTAGAGGTCAGAGATCCCC-3'